The following is an entry in ClinVar:

NM_198578.4(LRRK2):c.3371C>A (p.Ser1124Tyr)

Gene: LRRK2 (leucine rich repeat kinase 2; plus strand). Cytogenetic location: 12q12.
Variant type: single nucleotide variant.
Coding change: c.3371C>A on transcript NM_198578.4 (MANE Select); coding-DNA position 3371, C replaced by A.
Protein change: p.Ser1124Tyr; replaces serine 1124 with tyrosine.
Molecular consequence: missense variant.
Genome position (GRCh38, 1-based): chr12:40,299,132, C>A. VCF-style: chr12-40299132-C-A. GRCh37 (hg19) VCF-style: chr12-40692934-C-A.
Other names: short protein forms S1124Y.
Identifiers: ClinVar variation 3229608 (VCV003229608.1), dbSNP rs1349086079, ClinGen allele CA384415526.

ClinVar aggregate classification (germline): Uncertain significance (1 of 4 stars; one submission).

Conditions:
Inborn genetic diseases. Identifiers: MedGen C0950123, MeSH D030342.

Submission:

Ambry Genetics
Classification: Uncertain significance for Inborn genetic diseases. Last evaluated: 2023-09-15. Review status: criteria provided, single submitter. Criteria: Ambry Variant Classification Scheme 2023. Collection method: clinical testing. Allele origin: germline.
Comment: The p.S1124Y variant (also known as c.3371C>A), located in coding exon 25 of the LRRK2 gene, results from a C to A substitution at nucleotide position 3371. The serine at codon 1124 is replaced by tyrosine, an amino acid with dissimilar properties. This amino acid position is conserved. In addition, this alteration is predicted to be tolerated by in silico analysis. Since supporting evidence is limited at this time, the clinical significance of this alteration remains unclear.